The following is an entry in ClinVar:

ClinVar aggregate classification (germline): Uncertain significance. Review status: criteria provided, multiple submitters, no conflicts (2 of 4 stars). 4 submissions from 4 submitters: Uncertain significance (3). 1 of the submissions does not count toward it. Last evaluated 2025-01-06.

Conditions:
COACH syndrome 3. Identifiers: MedGen C5436841, MONDO:0030862, OMIM 619113.
Meckel syndrome, type 5 (MKS5). Identifiers: Orphanet 564, MedGen C1969052, MONDO:0012695, OMIM 611561.
Joubert syndrome 7 (JBTS7). Identifiers: Orphanet 220497, MedGen C1969053, MONDO:0012694, OMIM 611560.
Joubert syndrome. Also called: Familial aplasia of the vermis; JOUBERT-BOLTSHAUSER SYNDROME. Identifiers: Orphanet 475, MedGen C5979921, MONDO:0018772.
RPGRIP1L-related disorder. Also called: RPGRIP1L-related disorders; RPGRIP1L-related condition. Identifiers: MedGen CN239416.
Meckel-Gruber syndrome. Also called: DYSENCEPHALIA SPLANCHNOCYSTICA; GRUBER SYNDROME; Dysencephalia splachnocystica. Identifiers: Orphanet 564, MedGen C0265215, MONDO:0018921.

Allele frequency attached by ClinVar (database versions not stated): ExAC 0.00001; gnomAD 0.00001; gnomAD exomes 0.00001 and 0.00002; TOPMed 0.00003.
gnomAD v4.1: 24 of 1,612,408 alleles (0.0015%); highest among the groups gnomAD compares: East Asian, 0.011%; no homozygotes.

Submissions (4):

Labcorp Genetics (formerly Invitae), Labcorp
Classification: Uncertain significance for Joubert syndrome; Meckel-Gruber syndrome. Last evaluated: 2025-01-06. Review status: criteria provided, single submitter. Criteria: Invitae Variant Classification Sherloc (09022015). Collection method: clinical testing. Allele origin: germline.
Comment: This sequence change affects codon 603 of the RPGRIP1L mRNA. It is a 'silent' change, meaning that it does not change the encoded amino acid sequence of the RPGRIP1L protein. This variant is present in population databases (rs375766769, gnomAD 0.003%). This variant has not been reported in the literature in individuals affected with RPGRIP1L-related conditions. ClinVar contains an entry for this variant (Variation ID: 1045332). Algorithms developed to predict the effect of sequence changes on RNA splicing suggest that this variant may create or strengthen a splice site. In summary, the available evidence is currently insufficient to determine the role of this variant in disease. Therefore, it has been classified as a Variant of Uncertain Significance.

PreventionGenetics, part of Exact Sciences
Classification: Uncertain significance for RPGRIP1L-related condition. Last evaluated: 2024-12-06. Review status: criteria provided, single submitter. Criteria: ACMG Guidelines, 2015. Collection method: clinical testing. Allele origin: germline.
Comment: The RPGRIP1L c.1809C>T variant is not predicted to result in an amino acid change (p.=). This variant is predicted to create a cryptic splice donor site based on available prediction algorithms (SpliceAI, Jaganathan et al. 2019. PubMed ID: 30661751). To our knowledge, this variant has not been reported in the literature. This variant is reported in 0.0026% of alleles in individuals of European (Non-Finnish) descent in gnomAD. At this time, the clinical significance of this variant is uncertain due to the absence of conclusive functional and genetic evidence.

Fulgent Genetics
Classification: Uncertain significance for Joubert syndrome 7; Meckel syndrome, type 5; COACH syndrome 3. Last evaluated: 2022-05-11. Review status: criteria provided, single submitter. Criteria: ACMG Guidelines, 2015. Collection method: clinical testing. Allele origin: unknown.

Natera, Inc.
Classification: Uncertain significance for Joubert syndrome. Last evaluated: 2021-07-15. Review status: no assertion criteria provided. Collection method: clinical testing. Allele origin: germline. Not counted in ClinVar's aggregate classification.

NM_015272.5(RPGRIP1L):c.1809C>T (p.Gly603=)

Gene: RPGRIP1L (RPGRIP1 like; minus strand). Cytogenetic location: 16q12.2.
Variant type: single nucleotide variant.
Coding change: c.1809C>T on transcript NM_015272.5 (MANE Select); coding-DNA position 1809, C replaced by T.
Protein change: p.Gly603=; no amino-acid change (glycine 603 retained).
Molecular consequence: synonymous variant.
Genome position (GRCh38, 1-based): chr16:53,652,878, G>A on the plus strand (C>T on the coding strand, the complement: RPGRIP1L is on the minus strand). VCF-style: chr16-53652878-G-A. GRCh37 (hg19) VCF-style: chr16-53686790-G-A.
Other names: c.1809C>T, p.Gly603= (NM_001127897.4, NM_001308334.3, NM_001330538.2); c.1809C>T (NM_015272.4).
Identifiers: ClinVar variation 1045332 (VCV001045332.10), dbSNP rs375766769, ClinGen allele CA8057697.
Genomic context (GRCh38, chr16:53,652,878, plus strand): 5'-TGCCTGTAAAACTTCAGAAGAAAAGGTTACTTTGTTGATATGGATTTCAAATAGATTTTC[G>A]CCTCGTTCTAAGTGGATGGTTTCATCAAATTCATCAACAGAGTCATCTGGCATGATTTCT-3'
Protein context (NP_056087.2, residues 593-613): EFDETIHLER[Gly603=]ENLFEIHINK